The following is an entry in ClinVar:

ClinVar aggregate classification (germline): Uncertain significance. Review status: criteria provided, multiple submitters, no conflicts (2 of 4 stars). 2 submissions from 2 submitters: Uncertain significance (2). Last evaluated 2021-10-11.

Conditions:
Cardiovascular phenotype. Identifiers: MedGen CN230736.
Brugada syndrome. Also called: Sudden unexplained nocturnal death syndrome; Sudden unexpected nocturnal death syndrome; Sudden Unexplained Death Syndrome; Sudden Unexplained Nocturnal Death Syndrome (SUNDS). Identifiers: Orphanet 130, MedGen C1142166, MONDO:0015263.

Allele frequency attached by ClinVar (database versions not stated): gnomAD exomes 0.00001 and 0.00002.
gnomAD v4.1: 4 of 1,613,140 alleles (0.00025%); highest among the groups gnomAD compares: Admixed American, 0.0067%; no homozygotes.

Submissions (2):

Ambry Genetics
Classification: Uncertain significance for Cardiovascular phenotype. Last evaluated: 2021-10-11. Review status: criteria provided, single submitter. Criteria: Ambry Variant Classification Scheme 2023. Collection method: clinical testing. Allele origin: germline.
Comment: The p.D330E variant (also known as c.990C>A), located in coding exon 8 of the SCN10A gene, results from a C to A substitution at nucleotide position 990. The aspartic acid at codon 330 is replaced by glutamic acid, an amino acid with highly similar properties. This amino acid position is conserved. In addition, this alteration is predicted to be tolerated by in silico analysis. Since supporting evidence is limited at this time, the clinical significance of this alteration remains unclear.

Labcorp Genetics (formerly Invitae), Labcorp
Classification: Uncertain significance for Brugada syndrome. Last evaluated: 2021-09-04. Review status: criteria provided, single submitter. Criteria: Invitae Variant Classification Sherloc (09022015). Collection method: clinical testing. Allele origin: germline.
Comment: This variant is not present in population databases (ExAC no frequency). This sequence change replaces aspartic acid with glutamic acid at codon 330 of the SCN10A protein (p.Asp330Glu). The aspartic acid residue is weakly conserved and there is a small physicochemical difference between aspartic acid and glutamic acid. This variant has not been reported in the literature in individuals affected with SCN10A-related conditions. Advanced modeling of protein sequence and biophysical properties (such as structural, functional, and spatial information, amino acid conservation, physicochemical variation, residue mobility, and thermodynamic stability) performed at Invitae indicates that this missense variant is not expected to disrupt SCN10A protein function. In summary, the available evidence is currently insufficient to determine the role of this variant in disease. Therefore, it has been classified as a Variant of Uncertain Significance.

NM_006514.4(SCN10A):c.990C>A (p.Asp330Glu)

Gene: SCN10A (sodium voltage-gated channel alpha subunit 10; minus strand). Cytogenetic location: 3p22.2.
Variant type: single nucleotide variant.
Coding change: c.990C>A on transcript NM_006514.4 (MANE Select); coding-DNA position 990, C replaced by A.
Protein change: p.Asp330Glu; replaces aspartic acid 330 with glutamic acid.
Molecular consequence: missense variant.
Genome position (GRCh38, 1-based): chr3:38,757,120, G>T on the plus strand (C>A on the coding strand, the complement: SCN10A is on the minus strand). VCF-style: chr3-38757120-G-T. GRCh37 (hg19) VCF-style: chr3-38798611-G-T.
Other names: c.990C>A, p.Asp330Glu (NM_001293306.2, NM_001293307.2); short protein forms D330E.
Identifiers: ClinVar variation 1505586 (VCV001505586.10), dbSNP rs1360994164, ClinGen allele CA352170223.